The following is an entry in ClinVar:

NM_020778.5(ALPK3):c.2510A>T (p.Gln837Leu)

Gene: ALPK3 (alpha kinase 3; plus strand). Cytogenetic location: 15q25.3.
Variant type: single nucleotide variant.
Coding change: c.2510A>T on transcript NM_020778.5 (MANE Select); coding-DNA position 2510, A replaced by T.
Protein change: p.Gln837Leu; replaces glutamine 837 with leucine.
Molecular consequence: missense variant.
Genome position (GRCh38, 1-based): chr15:84,857,248, A>T. VCF-style: chr15-84857248-A-T. GRCh37 (hg19) VCF-style: chr15-85400479-A-T.
Other names: short protein forms Q1039L, Q837L.
Identifiers: ClinVar variation 391443 (VCV000391443.7), dbSNP rs1057524086, ClinGen allele CA16607038.

ClinVar aggregate classification (germline): Uncertain significance. Review status: criteria provided, multiple submitters, no conflicts (2 of 4 stars). 3 submissions from 3 submitters: Uncertain significance (3). Last evaluated 2023-12-25.

Conditions:
Cardiovascular phenotype. Identifiers: MedGen CN230736.

Submissions (3):

Labcorp Genetics (formerly Invitae), Labcorp
Classification: Uncertain significance. Last evaluated: 2023-12-25. Review status: criteria provided, single submitter. Criteria: Invitae Variant Classification Sherloc (09022015). Collection method: clinical testing. Allele origin: germline.
Comment: This sequence change replaces glutamine, which is neutral and polar, with leucine, which is neutral and non-polar, at codon 1039 of the ALPK3 protein (p.Gln1039Leu). This variant is not present in population databases (gnomAD no frequency). This variant has not been reported in the literature in individuals affected with ALPK3-related conditions. ClinVar contains an entry for this variant (Variation ID: 391443). Algorithms developed to predict the effect of missense changes on protein structure and function output the following: SIFT: "Not Available"; PolyPhen-2: "Benign"; Align-GVGD: "Not Available". The leucine amino acid residue is found in multiple mammalian species, which suggests that this missense change does not adversely affect protein function. In summary, the available evidence is currently insufficient to determine the role of this variant in disease. Therefore, it has been classified as a Variant of Uncertain Significance.

Ambry Genetics
Classification: Uncertain significance for Cardiovascular phenotype. Last evaluated: 2022-04-09. Review status: criteria provided, single submitter. Criteria: Ambry Variant Classification Scheme 2023. Collection method: clinical testing. Allele origin: germline.
Comment: The p.Q1039L variant (also known as c.3116A>T), located in coding exon 6 of the ALPK3 gene, results from an A to T substitution at nucleotide position 3116. The glutamine at codon 1039 is replaced by leucine, an amino acid with dissimilar properties. This amino acid position is conserved. In addition, this alteration is predicted to be tolerated by in silico analysis. Since supporting evidence is limited at this time, the clinical significance of this alteration remains unclear.

GeneDx
Classification: Uncertain significance. Last evaluated: 2016-12-07. Review status: criteria provided, single submitter. Criteria: GeneDx Variant Classification (06012015). Collection method: clinical testing. Allele origin: germline. Affected: yes.
Comment: A novel variant of uncertain significance has been identified in the ALPK3 gene. The Q1039L variant has not been published as a pathogenic variant, nor has it been reported as a benign variant to our knowledge. This variant was not observed in approximately 6,500 individuals of European and African American ancestry in the NHLBI Exome Sequencing Project, indicating it is not a common benign variant in these populations. The Q1039L variant is a non-conservative amino acid substitution, which is likely to impact secondary protein structure as these residues differ in polarity, charge, size and/or other properties. However, this substitution occurs at a position that is not conserved across species, and Leucine is the wild-type amino acid at this position in at least two species. Furthermore, 2/3 in silico algorithms predict this variant likely does not alter the protein structure/function.Therefore, based on the currently available information, it is unclear whether this variant is pathogenic or benign.